The following is an entry in ClinVar:

NM_001378452.1(ITPR1):c.5915C>A (p.Thr1972Asn)

Gene: ITPR1 (inositol 1,4,5-trisphosphate receptor type 1; plus strand). Cytogenetic location: 3p26.1.
Variant type: single nucleotide variant.
Coding change: c.5915C>A on transcript NM_001378452.1 (MANE Select); coding-DNA position 5915, C replaced by A.
Protein change: p.Thr1972Asn; replaces threonine 1972 with asparagine.
Molecular consequence: missense variant.
Genome position (GRCh38, 1-based): chr3:4,768,700, C>A. VCF-style: chr3-4768700-C-A. GRCh37 (hg19) VCF-style: chr3-4810384-C-A.
Other names: c.5771C>A, p.Thr1924Asn (NM_001099952.4); c.5870C>A, p.Thr1957Asn (NM_001168272.2); c.5726C>A, p.Thr1909Asn (NM_002222.7); short protein forms T1957N, T1924N, T1909N, T1972N.
Identifiers: ClinVar variation 1912205 (VCV001912205.5), dbSNP rs2470045053, ClinGen allele CA351635417.
Genomic context (GRCh38, chr3:4,768,700, plus strand): 5'-AGGGCACCCAGGCCACTGCCGACAAGGCCAAGGACGACCTGGAGATGAGCGCGGTCATCA[C>A]CATCATGCAGCCCATCCTCCGCTTCCTTCAGCTCCTGTGTGAAAACCACAACCGAGACCT-3'
Protein context (NP_001365381.1, residues 1962-1982): KDDLEMSAVI[Thr1972Asn]IMQPILRFLQ

ClinVar aggregate classification (germline): Uncertain significance (1 of 4 stars; one submission).

Submission:

Labcorp Genetics (formerly Invitae), Labcorp
Classification: Uncertain significance. Last evaluated: 2022-10-02. Review status: criteria provided, single submitter. Criteria: Invitae Variant Classification Sherloc (09022015). Collection method: clinical testing. Allele origin: germline.
Comment: This variant is not present in population databases (gnomAD no frequency). In summary, the available evidence is currently insufficient to determine the role of this variant in disease. Therefore, it has been classified as a Variant of Uncertain Significance. Advanced modeling of protein sequence and biophysical properties (such as structural, functional, and spatial information, amino acid conservation, physicochemical variation, residue mobility, and thermodynamic stability) performed at Invitae indicates that this missense variant is not expected to disrupt ITPR1 protein function. This variant has not been reported in the literature in individuals affected with ITPR1-related conditions. This sequence change replaces threonine, which is neutral and polar, with asparagine, which is neutral and polar, at codon 1909 of the ITPR1 protein (p.Thr1909Asn).